The following is an entry in ClinVar:

ClinVar aggregate classification (germline): Conflicting classifications of pathogenicity. Review status: criteria provided, conflicting classifications (1 of 4 stars). 2 submissions from 2 submitters: Uncertain significance (1); Likely benign (1). Last evaluated 2024-10-21.

Conditions:
PCNT-related disorder. Also called: PCNT-related condition.

Allele frequency attached by ClinVar (database versions not stated): gnomAD exomes 0.00001; gnomAD 0.00002; TOPMed 0.00002.
gnomAD v4.1: 6 of 1,605,548 alleles (0.00037%); highest among the groups gnomAD compares: Admixed American, 0.0034%; no homozygotes.

Submissions (2):

Labcorp Genetics (formerly Invitae), Labcorp
Classification: Likely benign. Last evaluated: 2024-10-21. Review status: criteria provided, single submitter. Criteria: Invitae Variant Classification Sherloc (09022015). Collection method: clinical testing. Allele origin: germline.

PreventionGenetics, part of Exact Sciences
Classification: Uncertain significance for PCNT-related condition. Last evaluated: 2022-09-20. Review status: criteria provided, single submitter. Criteria: ACMG Guidelines, 2015. Collection method: clinical testing. Allele origin: germline.
Comment: The PCNT c.4003+10A>G variant is predicted to interfere with splicing. To our knowledge, this variant has not been reported in the literature. This variant is reported in 0.0030% of alleles in individuals of Latino descent in gnomAD. However, the use of computer prediction programs is not equivalent to functional evidence, and therefore the clinical significance of this variant is uncertain.

NM_006031.6(PCNT):c.4003+10A>G

Gene: PCNT (pericentrin; plus strand). Cytogenetic location: 21q22.3.
Variant type: single nucleotide variant.
Coding change: c.4003+10A>G on transcript NM_006031.6 (MANE Select); 10 bases into the intron after coding-DNA position 4003, A replaced by G.
Molecular consequence: intron variant.
Genome position (GRCh38, 1-based): chr21:46,390,842, A>G. VCF-style: chr21-46390842-A-G. GRCh37 (hg19) VCF-style: chr21-47810757-A-G.
Other names: c.3649+10A>G (NM_001315529.2).
Identifiers: ClinVar variation 2628414 (VCV002628414.4), dbSNP rs918363787, ClinGen allele CA322030878.